The following is an entry in ClinVar:

ClinVar aggregate classification (germline): Benign/Likely benign. Review status: criteria provided, multiple submitters, no conflicts (2 of 4 stars). 4 submissions from 4 submitters: Benign (2); Likely benign (2). Last evaluated 2026-09-01.

Conditions:
Developmental and epileptic encephalopathy, 30 (DEE30). Also called: Epileptic encephalopathy, early infantile, 30. Identifiers: MedGen C4225360, MONDO:0014595, OMIM 616341.
Inborn genetic diseases. Identifiers: MedGen C0950123, MeSH D030342.

Allele frequency attached by ClinVar (database versions not stated): ESP Exome Variant Server 0.00015; gnomAD 0.00019; 1000 Genomes Project 0.00140; ExAC 0.00328.

Submissions (4):

CeGaT Center for Human Genetics Tuebingen
Classification: Likely benign. Last evaluated: 2026-09-01. Review status: criteria provided, single submitter. Criteria: CeGaT Center For Human Genetics Tuebingen Variant Classification Criteria Version 2. Collection method: clinical testing. Allele origin: germline. Affected: yes. Observed: 8 variant alleles.
Comment: SIK1: BS2

Labcorp Genetics (formerly Invitae), Labcorp
Classification: Benign for Developmental and epileptic encephalopathy, 30. Last evaluated: 2026-01-19. Review status: criteria provided, single submitter. Criteria: Invitae Variant Classification Sherloc (09022015). Collection method: clinical testing. Allele origin: germline.

Genomic Medicine Center of Excellence, King Faisal Specialist Hospital and Research Centre
Classification: Likely benign. Last evaluated: 2025-08-18. Review status: criteria provided, single submitter. Criteria: ACMG Guidelines, 2015. Collection method: clinical testing. Allele origin: germline.

Ambry Genetics
Classification: Benign for Inborn genetic diseases. Last evaluated: 2016-12-19. Review status: criteria provided, single submitter. Criteria: Ambry Variant Classification Scheme 2023. Collection method: clinical testing. Allele origin: germline.

NM_173354.5(SIK1):c.4G>A (p.Val2Ile)

Gene: SIK1 (salt inducible kinase 1; minus strand). Cytogenetic location: 21q22.3.
Variant type: single nucleotide variant.
Coding change: c.4G>A on transcript NM_173354.5 (MANE Select); coding-DNA position 4, G replaced by A.
Protein change: p.Val2Ile; replaces valine 2 with isoleucine.
Molecular consequence: missense variant.
Genome position (GRCh38, 1-based): chr21:43,426,175, C>T on the plus strand (G>A on the coding strand, the complement: SIK1 is on the minus strand). VCF-style: chr21-43426175-C-T. GRCh37 (hg19) VCF-style: chr21-44846055-C-T.
Other names: short protein forms V2I.
Identifiers: ClinVar variation 588594 (VCV000588594.45), dbSNP rs376640139, ClinGen allele CA321330074.